The following is an entry in ClinVar:

ClinVar aggregate classification (germline): Uncertain significance (1 of 4 stars; one submission).

Conditions:
Inborn genetic diseases. Identifiers: MedGen C0950123, MeSH D030342.

gnomAD v4.1: 2 of 1,584,906 alleles (0.00013%); highest among the groups gnomAD compares: Non-Finnish European, 0.00017%; no homozygotes.

Submission:

Ambry Genetics
Classification: Uncertain significance for Inborn genetic diseases. Last evaluated: 2023-11-03. Review status: criteria provided, single submitter. Criteria: Ambry Variant Classification Scheme 2023. Collection method: clinical testing. Allele origin: germline.
Comment: The p.H362Y variant (also known as c.1084C>T), located in coding exon 5 of the PIK3CA gene, results from a C to T substitution at nucleotide position 1084. The histidine at codon 362 is replaced by tyrosine, an amino acid with similar properties. This amino acid position is conserved. In addition, this alteration is predicted to be deleterious by in silico analysis. Since supporting evidence is limited at this time, the clinical significance of this alteration remains unclear.

NM_006218.4(PIK3CA):c.1084C>T (p.His362Tyr)

Gene: PIK3CA (phosphatidylinositol-4,5-bisphosphate 3-kinase catalytic subunit alpha; plus strand). Cytogenetic location: 3q26.32.
Variant type: single nucleotide variant.
Coding change: c.1084C>T on transcript NM_006218.4 (MANE Select); coding-DNA position 1084, C replaced by T.
Protein change: p.His362Tyr; replaces histidine 362 with tyrosine.
Molecular consequence: missense variant.
Genome position (GRCh38, 1-based): chr3:179,204,527, C>T. VCF-style: chr3-179204527-C-T. GRCh37 (hg19) VCF-style: chr3-178922315-C-T.
Other names: short protein forms H362Y.
Identifiers: ClinVar variation 3225325 (VCV003225325.1), dbSNP rs2108394343, ClinGen allele CA355282804.
Genomic context (GRCh38, chr3:179,204,527, plus strand): 5'-TGTATACATTAGTATATACCTACTTTTTTCTTTTAGATCTATGTTCGAACAGGTATCTAC[C>T]ATGGAGGAGAACCCTTATGTGACAATGTGAACACTCAAAGAGTACCTTGTTCCAATCCCA-3'
Protein context (NP_006209.2, residues 352-372): DKIYVRTGIY[His362Tyr]GGEPLCDNVN